The following is an entry in ClinVar:

NM_001360016.2(G6PD):c.264C>G (p.Phe88Leu)

Gene: G6PD (glucose-6-phosphate dehydrogenase; minus strand). Cytogenetic location: Xq28.
Variant type: single nucleotide variant.
Coding change: c.264C>G on transcript NM_001360016.2 (MANE Select); coding-DNA position 264, C replaced by G.
Protein change: p.Phe88Leu; replaces phenylalanine 88 with leucine.
Molecular consequence: missense variant.
Genome position (GRCh38, 1-based): chrX:154,535,940, G>C on the plus strand (C>G on the coding strand, the complement: G6PD is on the minus strand). VCF-style: chrX-154535940-G-C. GRCh37 (hg19) VCF-style: chrX-153764155-G-C.
Other names: c.354C>G, p.Phe118Leu (NM_000402.4); c.264C>G, p.Phe88Leu (NM_001042351.3); short protein forms F118L, F88L.
Identifiers: ClinVar variation 1559798 (VCV001559798.9), dbSNP rs781794862, ClinGen allele CA10566293.
Genomic context (GRCh38, chrX:154,535,940, plus strand): 5'-GCTGGGGGCTGGTAGAGAGGGCAGAACCAGGCTGGGGGAGGCCCTGACACCACCCACCTT[G>C]AAGAAGGGCTCACTCTGTTTGCGGATGTCAGCCACTGTGAGGCGGGAACGGGCATAGCCC-3'
Protein context (NP_001346945.1, residues 78-98): ADIRKQSEPF[Phe88Leu]KATPEEKLKL

ClinVar aggregate classification (germline): Likely benign. Review status: criteria provided, multiple submitters, no conflicts (2 of 4 stars). 2 submissions from 2 submitters: Likely benign (2). Last evaluated 2025-11-05.

Conditions:
Anemia, nonspherocytic hemolytic, due to G6PD deficiency (CNSHA1). Also called: Hemolytic anemia due to G6PD deficiency; Class I glucose-6-phosphate dehydrogenase deficiency; Favism, susceptibility to; ANEMIA, CONGENITAL, NONSPHEROCYTIC HEMOLYTIC, 1. Identifiers: Orphanet 466026, MedGen C2720289, MONDO:0010480, OMIM 300908.

Allele frequency attached by ClinVar (database versions not stated): TOPMed 0.00001; gnomAD 0.00002 and 0.00005; gnomAD exomes 0.00007 and 0.00014; ExAC 0.00015; 1000 Genomes Project 0.00053; 1000 Genomes Project 30x 0.00062.
gnomAD v4.1: 82 of 1,206,152 alleles (0.0068%); highest among the groups gnomAD compares: South Asian, 0.13%; no homozygotes.

Submissions (2):

Labcorp Genetics (formerly Invitae), Labcorp
Classification: Likely benign for Anemia, nonspherocytic hemolytic, due to G6PD deficiency. Last evaluated: 2025-11-05. Review status: criteria provided, single submitter. Criteria: Invitae Variant Classification Sherloc (09022015). Collection method: clinical testing. Allele origin: germline.

Women's Health and Genetics/Laboratory Corporation of America, LabCorp
Classification: Likely benign. Last evaluated: 2023-09-11. Review status: criteria provided, single submitter. Criteria: LabCorp Variant Classification Summary - May 2015. Collection method: clinical testing. Allele origin: germline.
Comment: Variant summary: G6PD c.354C>G (p.Phe118Leu) (also known as c.264C>G, p.Phe88Leu in NM_001042351.3) results in a non-conservative amino acid change located in the Glucose-6-phosphate dehydrogenase, NAD-binding (IPR022674) of the encoded protein sequence. Three of five in-silico tools predict a damaging effect of the variant on protein function. The variant allele was found at a frequency of 0.00014 in 181975 control chromosomes including 10 hemizygotes suggesting a benign role for this variant. This frequency is not significantly higher than estimated for a pathogenic variant in G6PD causing Glucose 6 Phosphate Dehydrogenase Deficiency (0.00014 vs 0.29). c.354C>G has been reported in the literature in individuals affected with Glucose 6 Phosphate Dehydrogenase Deficiency (Malik_2021, Baz_2021). These reports do not provide unequivocal conclusions about association of the variant with Glucose 6 Phosphate Dehydrogenase Deficiency. To our knowledge, no experimental evidence demonstrating an impact on protein function has been reported. The following publications have been ascertained in the context of this evaluation (PMID: 34272389, 34620237). One submitter has cited clinical-significance assessments for this variant to ClinVar after 2014 and has classified the variant as likely benign. Based on the evidence outlined above, the variant was classified as likely benign.

Literature cited by the submitters: PubMed 34272389 (cited by Women's Health and Genetics/Laboratory Corporation of America, LabCorp); PubMed 34620237 (cited by Women's Health and Genetics/Laboratory Corporation of America, LabCorp).